The following is an entry in ClinVar:

NM_000206.3(IL2RG):c.266A>G (p.Tyr89Cys)

Gene: IL2RG (interleukin 2 receptor subunit gamma; minus strand). Cytogenetic location: Xq13.1.
Variant type: single nucleotide variant.
Coding change: c.266A>G on transcript NM_000206.3 (MANE Select); coding-DNA position 266, A replaced by G.
Protein change: p.Tyr89Cys; replaces tyrosine 89 with cysteine.
Molecular consequence: missense variant.
Genome position (GRCh38, 1-based): chrX:71,110,900, T>C on the plus strand (A>G on the coding strand, the complement: IL2RG is on the minus strand). VCF-style: chrX-71110900-T-C. GRCh37 (hg19) VCF-style: chrX-70330750-T-C.
Other names: short protein forms Y89C.
Identifiers: ClinVar variation 2737252 (VCV002737252.3), dbSNP rs2519647897, ClinGen allele CA413496966.

ClinVar aggregate classification (germline): Uncertain significance (1 of 4 stars; one submission).

Conditions:
X-linked severe combined immunodeficiency (SCIDX1). Also called: X-Linked Combined Immunodeficiency Diseases; IMMUNODEFICIENCY 4; SCID, X-LINKED; SEVERE COMBINED IMMUNODEFICIENCY, X-LINKED, T CELL-NEGATIVE, B CELL-POSITIVE, NK CELL-NEGATIVE; T-B+ severe combined immunodeficiency due to gamma chain deficiency. Identifiers: Orphanet 276, MedGen C6022468, MONDO:0010315, OMIM 300400. Disease mechanism: loss of function.

Submission:

Labcorp Genetics (formerly Invitae), Labcorp
Classification: Uncertain significance for X-linked severe combined immunodeficiency. Last evaluated: 2026-01-26. Review status: criteria provided, single submitter. Criteria: Invitae Variant Classification Sherloc (09022015). Collection method: clinical testing. Allele origin: germline.
Comment: This sequence change replaces tyrosine, which is neutral and polar, with cysteine, which is neutral and slightly polar, at codon 89 of the IL2RG protein (p.Tyr89Cys). This variant is not present in population databases (gnomAD no frequency). This missense change has been observed in individual(s) with inborn errors of immunity and/or severe combined immunodeficiency (PMID: 9058718, 39052144). ClinVar contains an entry for this variant (Variation ID: 2737252). Invitae Evidence Modeling of protein sequence and biophysical properties (such as structural, functional, and spatial information, amino acid conservation, physicochemical variation, residue mobility, and thermodynamic stability) indicates that this missense variant is expected to disrupt IL2RG protein function with a positive predictive value of 95%. In summary, the available evidence is currently insufficient to determine the role of this variant in disease. Therefore, it has been classified as a Variant of Uncertain Significance.

Literature cited by the submitters: PubMed 9058718; PubMed 39052144.